The following is an entry in ClinVar:

ClinVar aggregate classification (germline): Uncertain significance (1 of 4 stars; one submission).

Conditions:
Cardiovascular phenotype. Identifiers: MedGen CN230736.

gnomAD v4.1: 4 of 1,614,114 alleles (0.00025%); highest among the groups gnomAD compares: East Asian, 0.0022%; no homozygotes.

Submission:

Ambry Genetics
Classification: Uncertain significance for Cardiovascular phenotype. Last evaluated: 2024-05-11. Review status: criteria provided, single submitter. Criteria: Ambry Variant Classification Scheme 2023. Collection method: clinical testing. Allele origin: germline.
Comment: The p.P1864S variant (also known as c.5590C>T), located in coding exon 14 of the ALPK3 gene, results from a C to T substitution at nucleotide position 5590. The proline at codon 1864 is replaced by serine, an amino acid with similar properties. This amino acid position is conserved. In addition, this alteration is predicted to be tolerated by in silico analysis. Based on the available evidence, the clinical significance of this variant remains unclear.

NM_020778.5(ALPK3):c.4984C>T (p.Pro1662Ser)

Gene: ALPK3 (alpha kinase 3; plus strand). Cytogenetic location: 15q25.3.
Variant type: single nucleotide variant.
Coding change: c.4984C>T on transcript NM_020778.5 (MANE Select); coding-DNA position 4984, C replaced by T.
Protein change: p.Pro1662Ser; replaces proline 1662 with serine.
Molecular consequence: missense variant.
Genome position (GRCh38, 1-based): chr15:84,868,322, C>T. VCF-style: chr15-84868322-C-T. GRCh37 (hg19) VCF-style: chr15-85411553-C-T.
Other names: short protein forms P1662S.
Identifiers: ClinVar variation 3291624 (VCV003291624.1).